The following is an entry in ClinVar:

NM_005476.7(GNE):c.-42-1G>A

Gene: GNE (glucosamine (UDP-N-acetyl)-2-epimerase/N-acetylmannosamine kinase; minus strand). Cytogenetic location: 9p13.3.
Variant type: single nucleotide variant.
Coding change: c.-42-1G>A on transcript NM_005476.7 (MANE Select); the canonical splice acceptor site of the intron before 42 bases upstream of the start codon, G replaced by A.
Molecular consequence: splice acceptor variant. On other transcripts: intron variant (3).
Genome position (GRCh38, 1-based): chr9:36,249,398, C>T on the plus strand (G>A on the coding strand, the complement: GNE is on the minus strand). VCF-style: chr9-36249398-C-T. GRCh37 (hg19) VCF-style: chr9-36249395-C-T.
Other names: c.-13-2916G>A (NM_001190388.2, NM_001190384.3, NM_001374798.1); c.52-1G>A (NM_001128227.3); c.-42-1G>A (NM_001374797.1, NM_001190383.3).
Identifiers: ClinVar variation 4057295 (VCV004057295.1).

ClinVar aggregate classification (germline): Likely pathogenic (1 of 4 stars; one submission).

Conditions:
GNE myopathy (NM). Also called: MYOPATHY, DISTAL, WITH OR WITHOUT RIMMED VACUOLES; NONAKA DISTAL MYOPATHY; IBM 2; Inclusion body myopathy autosomal recessive; Inclusion body myopathy quadriceps sparing; INCLUSION BODY MYOPATHY, HEREDITARY, AUTOSOMAL RECESSIVE. Identifiers: Orphanet 602, MedGen C1853926, MONDO:0011603, OMIM 605820.

Submission:

Diagnostics Services (NGS), CSIR - Centre For Cellular And Molecular Biology
Classification: Likely pathogenic for GNE myopathy. Last evaluated: 2025-05-08. Review status: criteria provided, single submitter. Criteria: ACMG Guidelines, 2015. Collection method: clinical testing. Allele origin: unknown. Affected: yes. Observed: 1 variant allele, 1 heterozygote.
Comment: The c.-42-1G>A variant is not present in 1000 Genomes, EVS, gnomAD, Indian Exome Database or our internal database. This variant has neither been published in literature in individuals affected with GNE-related conditions nor reported to the clinical databases like HGMD, ClinVar or OMIM, in any affected individuals. Algorithms developed to predict the effect of sequence changes on RNA splicing suggest that this variant can disrupt the consensus splice site. In-silico pathogenicity prediction programs like HSF3.1, MutationTaster2, CADD, Varsome, Franklin etc predicted the variant to be likely deleterious, however these predictions were not confirmed by published functional/translational studies.